The following is an entry in ClinVar:

ClinVar aggregate classification (germline): Uncertain significance (1 of 4 stars; one submission).

Conditions:
Cardiovascular phenotype. Identifiers: MedGen CN230736.

Submission:

Ambry Genetics
Classification: Uncertain significance for Cardiovascular phenotype. Last evaluated: 2025-12-01. Review status: criteria provided, single submitter. Criteria: Ambry Variant Classification Scheme 2023. Collection method: clinical testing. Allele origin: germline.
Comment: The p.E496G variant (also known as c.1487A>G), located in coding exon 8 of the MYPN gene, results from an A to G substitution at nucleotide position 1487. The glutamic acid at codon 496 is replaced by glycine, an amino acid with similar properties. This amino acid position is highly conserved in available vertebrate species. In addition, the in silico prediction for this alteration is inconclusive. Based on the available evidence, the clinical significance of this variant remains unclear.

NM_032578.4(MYPN):c.1487A>G (p.Glu496Gly)

Gene: MYPN (myopalladin; plus strand). Cytogenetic location: 10q21.3.
Variant type: single nucleotide variant.
Coding change: c.1487A>G on transcript NM_032578.4 (MANE Select); coding-DNA position 1487, A replaced by G.
Protein change: p.Glu496Gly; replaces glutamic acid 496 with glycine.
Molecular consequence: missense variant. On other transcripts: non-coding transcript variant (2).
Genome position (GRCh38, 1-based): chr10:68,165,705, A>G. VCF-style: chr10-68165705-A-G. GRCh37 (hg19) VCF-style: chr10-69925462-A-G.
Other names: c.1487A>G, p.Glu496Gly (NM_001256267.2); c.605A>G, p.Glu202Gly (NM_001256268.2); short protein forms E496G, E202G.
Identifiers: ClinVar variation 4614676 (VCV004614676.1).